The following is an entry in ClinVar:

ClinVar aggregate classification (germline): Uncertain significance (1 of 4 stars; one submission).

Submission:

GeneDx
Classification: Uncertain significance. Last evaluated: 2014-05-19. Review status: criteria provided, single submitter. Criteria: GeneDx Variant Classification (06012015). Collection method: clinical testing. Allele origin: germline. Affected: yes.
Comment: p.Cys449Ser (TGC>TCC): c.1346 G>C in exon 3 of the HCN4 gene (NM_005477.2). The C449S variant has not been published as a mutation, nor has it been reported as a benign polymorphism to our knowledge. The C449S variant was not observed in approximately 6500 individuals of European and African American ancestry in the NHLBI Exome Sequencing Project, indicating it is not a common benign variant in these populations. The C449S variant is a non-conservative amino acid substitution, which is likely to impact secondary protein structure as these residues differ in polarity, charge, size and/or other properties. This substitution occurs at a position that is conserved across species. However, missense mutations in nearby residues have not been reported, indicating this region of the protein may tolerate change. In silico analysis is inconsistent in its predictions as to whether or not the variant is damaging to the protein structure/function. Therefore, based on the currently available information, it is unclear whether this variant is a pathogenic mutation or a rare benign variant. The variant is found in ARRHYTHMIA panel(s).

NM_005477.3(HCN4):c.1346G>C (p.Cys449Ser)

Gene: HCN4 (hyperpolarization activated cyclic nucleotide gated potassium channel 4; minus strand). Cytogenetic location: 15q24.1.
Variant type: single nucleotide variant.
Coding change: c.1346G>C on transcript NM_005477.3 (MANE Select); coding-DNA position 1346, G replaced by C.
Protein change: p.Cys449Ser; replaces cysteine 449 with serine.
Molecular consequence: missense variant.
Genome position (GRCh38, 1-based): chr15:73,332,156, C>G on the plus strand (G>C on the coding strand, the complement: HCN4 is on the minus strand). VCF-style: chr15-73332156-C-G. GRCh37 (hg19) VCF-style: chr15-73624497-C-G.
Other names: p.C449S:TGC>TCC; short protein forms C449S.
Identifiers: ClinVar variation 190781 (VCV000190781.2), dbSNP rs786205805, ClinGen allele CA301962.